The following is an entry in ClinVar:

ClinVar aggregate classification (germline): Uncertain significance (1 of 4 stars; one submission).

Conditions:
Inborn genetic diseases. Identifiers: MedGen C0950123, MeSH D030342.

Submission:

Ambry Genetics
Classification: Uncertain significance for Inborn genetic diseases. Last evaluated: 2026-03-20. Review status: criteria provided, single submitter. Criteria: Ambry Variant Classification Scheme 2023. Collection method: clinical testing. Allele origin: germline.
Comment: The p.A1258P variant (also known as c.3772G>C), located in coding exon 13 of the ASXL1 gene, results from a G to C substitution at nucleotide position 3772. The alanine at codon 1258 is replaced by proline, an amino acid with highly similar properties. This amino acid position is conserved. In addition, this alteration is predicted to be tolerated by in silico analysis. Based on the available evidence, the clinical significance of this variant remains unclear.

NM_015338.6(ASXL1):c.3772G>C (p.Ala1258Pro)

Gene: ASXL1 (ASXL transcriptional regulator 1; plus strand). Cytogenetic location: 20q11.21.
Variant type: single nucleotide variant.
Coding change: c.3772G>C on transcript NM_015338.6 (MANE Select); coding-DNA position 3772, G replaced by C.
Protein change: p.Ala1258Pro; replaces alanine 1258 with proline.
Molecular consequence: missense variant.
Genome position (GRCh38, 1-based): chr20:32,436,484, G>C. VCF-style: chr20-32436484-G-C. GRCh37 (hg19) VCF-style: chr20-31024287-G-C.
Other names: c.3589G>C, p.Ala1197Pro (NM_001363734.1); short protein forms A1197P, A1258P.
Identifiers: ClinVar variation 4864039 (VCV004864039.1).